The following is an entry in ClinVar:

ClinVar aggregate classification (germline): Uncertain significance (1 of 4 stars; one submission).

Submission:

Ambry Genetics
Classification: Uncertain significance. Last evaluated: 2024-07-11. Review status: criteria provided, single submitter. Criteria: Ambry Variant Classification Scheme 2023. Collection method: clinical testing. Allele origin: germline.
Comment: The p.L268P variant (also known as c.803T>C), located in coding exon 4 of the GALNT12 gene, results from a T to C substitution at nucleotide position 803. The leucine at codon 268 is replaced by proline, an amino acid with similar properties. This amino acid position is conserved. In addition, this alteration is predicted to be deleterious by in silico analysis. Based on the available evidence, the clinical significance of this variant remains unclear.

NM_024642.5(GALNT12):c.803T>C (p.Leu268Pro)

Gene: GALNT12 (polypeptide N-acetylgalactosaminyltransferase 12; plus strand). Cytogenetic location: 9q22.33.
Variant type: single nucleotide variant.
Coding change: c.803T>C on transcript NM_024642.5 (MANE Select); coding-DNA position 803, T replaced by C.
Protein change: p.Leu268Pro; replaces leucine 268 with proline.
Molecular consequence: missense variant.
Genome position (GRCh38, 1-based): chr9:98,831,843, T>C. VCF-style: chr9-98831843-T-C. GRCh37 (hg19) VCF-style: chr9-101594125-T-C.
Other names: short protein forms L268P.
Identifiers: ClinVar variation 3518479 (VCV003518479.1).